The following is an entry in ClinVar:

NM_177438.3(DICER1):c.1087T>A (p.Phe363Ile)

Gene: DICER1 (dicer 1, ribonuclease III; minus strand). Cytogenetic location: 14q32.13.
Variant type: single nucleotide variant.
Coding change: c.1087T>A on transcript NM_177438.3 (MANE Select); coding-DNA position 1087, T replaced by A.
Protein change: p.Phe363Ile; replaces phenylalanine 363 with isoleucine.
Molecular consequence: missense variant. On other transcripts: 5 prime UTR variant (1), non-coding transcript variant (6).
Genome position (GRCh38, 1-based): chr14:95,124,485, A>T on the plus strand (T>A on the coding strand, the complement: DICER1 is on the minus strand). VCF-style: chr14-95124485-A-T. GRCh37 (hg19) VCF-style: chr14-95590822-A-T.
Other names: c.1087T>A, p.Phe363Ile (NM_001395679.1, NM_001395680.1, NM_001395682.1 and 14 more transcripts); c.805T>A, p.Phe269Ile (NM_001395686.1); c.682T>A, p.Phe228Ile (NM_001395687.1, NM_001395688.1, NM_001395689.1 and 3 more transcripts); c.520T>A, p.Phe174Ile (NM_001395691.1); c.-482T>A (NM_001395697.1); short protein forms F174I, F269I, F363I, F228I.
Identifiers: ClinVar variation 3647950 (VCV003647950.3).
Genomic context (GRCh38, chr14:95,124,485, plus strand): 5'-TTTCGAGCAGTTTGATTACTTTAGGAGTTACAAATTTCAGGTCAAGTGAGGCAGGTGAGA[A>T]GTGCTCTTCACATAGTGCATGTATTTTCCTTAGGAAAGTGTCTGTAAACAATAAAAATTT-3'
Protein context (NP_803187.1, residues 353-373): RKIHALCEEH[Phe363Ile]SPASLDLKFV

ClinVar aggregate classification (germline): Uncertain significance. Review status: criteria provided, multiple submitters, no conflicts (2 of 4 stars). 2 submissions from 2 submitters: Uncertain significance (2). Last evaluated 2026-07-09.

Conditions:
Hereditary cancer-predisposing syndrome. Also called: Tumor predisposition; Hereditary neoplastic syndrome; Hereditary Cancer Syndrome; Neoplastic Syndromes, Hereditary. Identifiers: Orphanet 140162, MedGen C0027672, MeSH D009386, MONDO:0015356.
DICER1-related tumor predisposition. Also called: DICER1-related pleuropulmonary blastoma cancer predisposition syndrome; DICER1 syndrome. Identifiers: Orphanet 284343, MedGen C3839822, MONDO:0100216.

Submissions (2):

Ambry Genetics
Classification: Uncertain significance for Hereditary cancer-predisposing syndrome. Last evaluated: 2026-07-09. Review status: criteria provided, single submitter. Criteria: Ambry Variant Classification Scheme 2023. Collection method: clinical testing. Allele origin: germline.
Comment: The p.F363I variant (also known as c.1087T>A), located in coding exon 7 of the DICER1 gene, results from a T to A substitution at nucleotide position 1087. The phenylalanine at codon 363 is replaced by isoleucine, an amino acid with highly similar properties. This amino acid position is conserved. In addition, the in silico prediction for this alteration is inconclusive. Based on the available evidence, the clinical significance of this variant remains unclear.

Labcorp Genetics (formerly Invitae), Labcorp
Classification: Uncertain significance for DICER1-related tumor predisposition. Last evaluated: 2024-03-28. Review status: criteria provided, single submitter. Criteria: Invitae Variant Classification Sherloc (09022015). Collection method: clinical testing. Allele origin: germline.
Comment: This sequence change replaces phenylalanine, which is neutral and non-polar, with isoleucine, which is neutral and non-polar, at codon 363 of the DICER1 protein (p.Phe363Ile). This variant is not present in population databases (gnomAD no frequency). This variant has not been reported in the literature in individuals affected with DICER1-related conditions. Advanced modeling of protein sequence and biophysical properties (such as structural, functional, and spatial information, amino acid conservation, physicochemical variation, residue mobility, and thermodynamic stability) performed at Invitae indicates that this missense variant is not expected to disrupt DICER1 protein function with a negative predictive value of 80%. In summary, the available evidence is currently insufficient to determine the role of this variant in disease. Therefore, it has been classified as a Variant of Uncertain Significance.